The following is an entry in ClinVar:

NM_005751.5(AKAP9):c.1357A>G (p.Ile453Val)

Gene: AKAP9 (A-kinase anchoring protein 9; plus strand). Cytogenetic location: 7q21.2.
Variant type: single nucleotide variant.
Coding change: c.1357A>G on transcript NM_005751.5 (MANE Select); coding-DNA position 1357, A replaced by G.
Protein change: p.Ile453Val; replaces isoleucine 453 with valine.
Molecular consequence: missense variant.
Genome position (GRCh38, 1-based): chr7:92,001,274, A>G. VCF-style: chr7-92001274-A-G. GRCh37 (hg19) VCF-style: chr7-91630588-A-G.
Other names: c.1357A>G, p.Ile453Val (NM_147185.3); short protein forms I453V.
Identifiers: ClinVar variation 1389050 (VCV001389050.8), dbSNP rs1201114363, ClinGen allele CA368121599.

ClinVar aggregate classification (germline): Uncertain significance (1 of 4 stars; one submission).

Conditions:
Long QT syndrome (LQTS). Identifiers: MedGen C0023976, MeSH D008133, MONDO:0002442. Disease mechanism: loss of function. Inheritance: Various modes of inheritance.

Allele frequency attached by ClinVar (database versions not stated): gnomAD exomes below 0.00001 and 0.00001.
gnomAD v4.1: 5 of 1,614,020 alleles (0.00031%); highest among the groups gnomAD compares: South Asian, 0.0044%; no homozygotes.

Submission:

Labcorp Genetics (formerly Invitae), Labcorp
Classification: Uncertain significance for Long QT syndrome. Last evaluated: 2023-10-03. Review status: criteria provided, single submitter. Criteria: Invitae Variant Classification Sherloc (09022015). Collection method: clinical testing. Allele origin: germline.
Comment: This sequence change replaces isoleucine, which is neutral and non-polar, with valine, which is neutral and non-polar, at codon 453 of the AKAP9 protein (p.Ile453Val). This variant is present in population databases (no rsID available, gnomAD 0.003%). This variant has not been reported in the literature in individuals affected with AKAP9-related conditions. ClinVar contains an entry for this variant (Variation ID: 1389050). An algorithm developed to predict the effect of missense changes on protein structure and function (PolyPhen-2) suggests that this variant is likely to be tolerated. In summary, the available evidence is currently insufficient to determine the role of this variant in disease. Therefore, it has been classified as a Variant of Uncertain Significance.